The following is an entry in ClinVar:

ClinVar aggregate classification (germline): Uncertain significance (1 of 4 stars; one submission).

Conditions:
Early Myoclonic Encephalopathy. Identifiers: MedGen C0270855.

Allele frequency attached by ClinVar (database versions not stated): gnomAD 0.00001; ExAC 0.00002; 1000 Genomes Project 30x 0.00016; 1000 Genomes Project 0.00020; gnomAD exomes 0.00001.
gnomAD v4.1: 11 of 1,614,156 alleles (0.00068%); highest among the groups gnomAD compares: Admixed American, 0.005%; no homozygotes.

Submission:

Labcorp Genetics (formerly Invitae), Labcorp
Classification: Uncertain significance for Early Myoclonic Encephalopathy. Last evaluated: 2022-08-09. Review status: criteria provided, single submitter. Criteria: Invitae Variant Classification Sherloc (09022015). Collection method: clinical testing. Allele origin: germline.
Comment: In summary, the available evidence is currently insufficient to determine the role of this variant in disease. Therefore, it has been classified as a Variant of Uncertain Significance. Algorithms developed to predict the effect of missense changes on protein structure and function are either unavailable or do not agree on the potential impact of this missense change (SIFT: "Deleterious"; PolyPhen-2: "Probably Damaging"; Align-GVGD: "Class C0"). This variant has not been reported in the literature in individuals affected with JMJD1C-related conditions. This variant is present in population databases (rs564408589, gnomAD 0.009%). This sequence change replaces glycine, which is neutral and non-polar, with arginine, which is basic and polar, at codon 1296 of the JMJD1C protein (p.Gly1296Arg).

NM_032776.3(JMJD1C):c.3886G>A (p.Gly1296Arg)

Gene: JMJD1C (jumonji domain containing 1C; minus strand). Cytogenetic location: 10q21.3.
Variant type: single nucleotide variant.
Coding change: c.3886G>A on transcript NM_032776.3 (MANE Select); coding-DNA position 3886, G replaced by A.
Protein change: p.Gly1296Arg; replaces glycine 1296 with arginine.
Molecular consequence: missense variant. On other transcripts: non-coding transcript variant (1).
Genome position (GRCh38, 1-based): chr10:63,207,783, C>T on the plus strand (G>A on the coding strand, the complement: JMJD1C is on the minus strand). VCF-style: chr10-63207783-C-T. GRCh37 (hg19) VCF-style: chr10-64967543-C-T.
Other names: c.3340G>A, p.Gly1114Arg (NM_001282948.2, NM_001318154.2); c.3022G>A, p.Gly1008Arg (NM_001318153.2); c.3772G>A, p.Gly1258Arg (NM_001322252.2); c.3229G>A, p.Gly1077Arg (NM_001322254.2, NM_001322258.2); short protein forms G1008R, G1114R, G1258R, G1296R, G1077R.
Identifiers: ClinVar variation 2092631 (VCV002092631.4), dbSNP rs564408589, ClinGen allele CA5518365.
Genomic context (GRCh38, chr10:63,207,783, plus strand): 5'-CAGTTTTTGTACTAGAAGATGGACGCACAATGACAGATGCCATAGCAGCCTGTAACTTTC[C>T]GCTGCTTTTCTCCACATGCCATTCAGTTTTCTCTTTGCTGAGGTTATTATTAGGTCTCCA-3'
Protein context (NP_116165.1, residues 1286-1306): KTEWHVEKSS[Gly1296Arg]KLQAAMASVI